The following is an entry in ClinVar:

NM_000548.5(TSC2):c.2629A>T (p.Asn877Tyr)

Gene: TSC2 (TSC complex subunit 2; plus strand). Cytogenetic location: 16p13.3.
Variant type: single nucleotide variant.
Coding change: c.2629A>T on transcript NM_000548.5 (MANE Select); coding-DNA position 2629, A replaced by T.
Protein change: p.Asn877Tyr; replaces asparagine 877 with tyrosine.
Molecular consequence: missense variant. On other transcripts: non-coding transcript variant (5).
Genome position (GRCh38, 1-based): chr16:2,075,882, A>T. VCF-style: chr16-2075882-A-T. GRCh37 (hg19) VCF-style: chr16-2125883-A-T.
Other names: c.2629A>T, p.Asn877Tyr (NM_001406665.1, NM_001077183.3, NM_001114382.3 and 6 more transcripts); c.2719A>T, p.Asn907Tyr (NM_001406667.1, NM_001406668.1); c.2518A>T, p.Asn840Tyr (NM_001406670.1, NM_001406678.1, NM_001318827.2); c.2617A>T, p.Asn873Tyr (NM_001406671.1, NM_001406673.1); c.2482A>T, p.Asn828Tyr (NM_001406675.1, NM_001406676.1, NM_001318829.2 and 1 more transcripts); c.2572A>T, p.Asn858Tyr (NM_001406677.1); c.2029A>T, p.Asn677Tyr (NM_001406688.1, NM_001318831.2, NM_001406680.1 and 6 more transcripts); c.1285A>T, p.Asn429Tyr (NM_001406689.1, NM_001406690.1, NM_001406691.1 and 6 more transcripts); and 3 more; short protein forms N677Y, N828Y, N840Y, N858Y, N873Y, N429Y, N877Y, N888Y.
Identifiers: ClinVar variation 4776916 (VCV004776916.2).

ClinVar aggregate classification (germline): Uncertain significance. Review status: criteria provided, multiple submitters, no conflicts (2 of 4 stars). 2 submissions from 2 submitters: Uncertain significance (2). Last evaluated 2026-02-10.

Conditions:
Hereditary cancer-predisposing syndrome. Also called: Neoplastic Syndromes, Hereditary; Hereditary neoplastic syndrome; Tumor predisposition; Hereditary Cancer Syndrome. Identifiers: Orphanet 140162, MedGen C0027672, MeSH D009386, MONDO:0015356.
Tuberous sclerosis 2 (TSC2). Identifiers: Orphanet 805, MedGen C1860707, MONDO:0013199, OMIM 613254.

gnomAD v4.1: 1 of 1,613,022 alleles (0.000062%); highest among the groups gnomAD compares: Non-Finnish European, 0.000085%; no homozygotes.

Submissions (2):

Ambry Genetics
Classification: Uncertain significance for Hereditary cancer-predisposing syndrome. Last evaluated: 2026-02-10. Review status: criteria provided, single submitter. Criteria: Ambry Variant Classification Scheme 2023. Collection method: clinical testing. Allele origin: germline.
Comment: The p.N877Y variant (also known as c.2629A>T), located in coding exon 22 of the TSC2 gene, results from an A to T substitution at nucleotide position 2629. The asparagine at codon 877 is replaced by tyrosine, an amino acid with dissimilar properties. This amino acid position is highly conserved in available vertebrate species. In addition, this alteration is predicted to be deleterious by in silico analysis. Based on the available evidence, the clinical significance of this variant remains unclear.

Labcorp Genetics (formerly Invitae), Labcorp
Classification: Uncertain significance for Tuberous sclerosis 2. Last evaluated: 2025-06-27. Review status: criteria provided, single submitter. Criteria: Invitae Variant Classification Sherloc (09022015). Collection method: clinical testing. Allele origin: germline.
Comment: This sequence change replaces asparagine, which is neutral and polar, with tyrosine, which is neutral and polar, at codon 877 of the TSC2 protein (p.Asn877Tyr). This variant is not present in population databases (gnomAD no frequency). This variant has not been reported in the literature in individuals affected with TSC2-related conditions. Invitae Evidence Modeling of protein sequence and biophysical properties (such as structural, functional, and spatial information, amino acid conservation, physicochemical variation, residue mobility, and thermodynamic stability) has been performed for this missense variant. However, the output from this modeling did not meet the statistical confidence thresholds required to predict the impact of this variant on TSC2 protein function. In summary, the available evidence is currently insufficient to determine the role of this variant in disease. Therefore, it has been classified as a Variant of Uncertain Significance.